The following is an entry in ClinVar:

NM_000186.4(CFH):c.1315A>G (p.Thr439Ala)

Gene: CFH (complement factor H; plus strand). Cytogenetic location: 1q31.3.
Variant type: single nucleotide variant.
Coding change: c.1315A>G on transcript NM_000186.4 (MANE Select); coding-DNA position 1315, A replaced by G.
Protein change: p.Thr439Ala; replaces threonine 439 with alanine.
Molecular consequence: missense variant.
Genome position (GRCh38, 1-based): chr1:196,690,218, A>G. VCF-style: chr1-196690218-A-G. GRCh37 (hg19) VCF-style: chr1-196659348-A-G.
Other names: c.1315A>G, p.Thr439Ala (NM_001014975.3); short protein forms T439A.
Identifiers: ClinVar variation 1409956 (VCV001409956.6), dbSNP rs1667977901, ClinGen allele CA343980839.
Genomic context (GRCh38, chr1:196,690,218, plus strand): 5'-GGCTACGCTCTTCCAAAAGCGCAGACCACAGTTACATGTATGGAGAATGGCTGGTCTCCT[A>G]CTCCCAGATGCATCCGTGTCAGTAAGTACACTACTCTGAAATCCTAGCATGTTCATGTCT-3'
Protein context (NP_000177.2, residues 429-449): VTCMENGWSP[Thr439Ala]PRCIRVKTCS

ClinVar aggregate classification (germline): Uncertain significance (1 of 4 stars; one submission).

Allele frequency attached by ClinVar (database versions not stated): gnomAD exomes 0.00001.
gnomAD v4.1: 6 of 1,613,054 alleles (0.00037%); highest among the groups gnomAD compares: Admixed American, 0.0084%; no homozygotes.

Submission:

Labcorp Genetics (formerly Invitae), Labcorp
Classification: Uncertain significance. Last evaluated: 2025-07-21. Review status: criteria provided, single submitter. Criteria: Invitae Variant Classification Sherloc (09022015). Collection method: clinical testing. Allele origin: germline.
Comment: This sequence change replaces threonine, which is neutral and polar, with alanine, which is neutral and non-polar, at codon 439 of the CFH protein (p.Thr439Ala). This variant is not present in population databases (gnomAD no frequency). This variant has not been reported in the literature in individuals affected with CFH-related conditions. ClinVar contains an entry for this variant (Variation ID: 1409956). An algorithm developed to predict the effect of missense changes on protein structure and function (PolyPhen-2) suggests that this variant is likely to be tolerated. In summary, the available evidence is currently insufficient to determine the role of this variant in disease. Therefore, it has been classified as a Variant of Uncertain Significance.